The following is an entry in ClinVar:

ClinVar aggregate classification (germline): Pathogenic (0 of 4 stars; one submission).

Conditions:
Osteogenesis imperfecta type 10 (OI10). Also called: OI, TYPE X. Identifiers: Orphanet 666, MedGen C3151211, MONDO:0013459, OMIM 613848.

Submission:

Collagen Diagnostic Laboratory, University of Washington
Classification: Pathogenic for Osteogenesis imperfecta type 10. Last evaluated: 2018-09-23. Review status: no assertion criteria provided. Collection method: clinical testing. Allele origin: paternal. Inheritance: Autosomal recessive inheritance. Affected: yes. Observed: 1 compound heterozygote.
Comment: The deletion affects a DNase sensitive site in the gene region, and allele expression was shown to be reduced to about 50% of normal activity.

NC_000011.10:g.75554407_75559680del

Genes: SERPINH1 (serpin family H member 1; plus strand), LOC110121439 (VISTA enhancer hs1748; plus strand), LOC116216155 (CRISPRi-validated cis-regulatory element chr11.4356; plus strand), LOC116216154 (CRISPRi-validated cis-regulatory element chr11.4355; plus strand). Cytogenetic location: 11q13.5.
Variant type: Deletion.
Genome position: GRCh38: chr11:75,554,407-75,559,680. GRCh37 (hg19): chr11:75,265,452-75,270,725.
Identifiers: ClinVar variation 599217 (VCV000599217.4), ClinGen allele CA913190298.